The following is an entry in ClinVar:

ClinVar aggregate classification (germline): Pathogenic (1 of 4 stars; one submission).

Submission:

Labcorp Genetics (formerly Invitae), Labcorp
Classification: Pathogenic. Last evaluated: 2024-10-17. Review status: criteria provided, single submitter. Criteria: Invitae Variant Classification Sherloc (09022015). Collection method: clinical testing. Allele origin: germline.
Comment: This sequence change creates a premature translational stop signal (p.Gly402Glufs*30) in the COL18A1 gene. It is expected to result in an absent or disrupted protein product. Loss-of-function variants in COL18A1 are known to be pathogenic (PMID: 12415512, 25456301). This variant is not present in population databases (gnomAD no frequency). This variant has not been reported in the literature in individuals affected with COL18A1-related conditions. For these reasons, this variant has been classified as Pathogenic.

Literature cited by the submitters: PubMed 12415512; PubMed 25456301.

NM_001379500.1(COL18A1):c.1203del (p.Gly402fs)

Gene: COL18A1 (collagen type XVIII alpha 1 chain; plus strand). Cytogenetic location: 21q22.3.
Variant type: Deletion.
Coding change: c.1203del on transcript NM_001379500.1 (MANE Select); coding-DNA position 1203, one base deleted (T; older notation c.1203delT).
Protein change: p.Gly402fs; shifts the reading frame from glycine 402.
Molecular consequence: frameshift variant.
Genome position (GRCh38, 1-based): chr21:45,477,947, T deleted. VCF-style (leftmost placement, unchanged base first): chr21-45477946-CT-C. GRCh37 (hg19) VCF-style: chr21-46897860-CT-C.
Other names: c.1743del, p.Gly582fs (NM_030582.4); c.2448del, p.Gly817fs (NM_130444.3); short protein forms G402fs, G582fs, G817fs.
Identifiers: ClinVar variation 2827305 (VCV002827305.3), dbSNP rs2517608676, ClinGen allele CA2739265637.
Genomic context (GRCh38, chr21:45,477,946, plus strand): 5'-CGTTGCAAACTGTCCCCGGACCACAAGGACCCCCAGGGCCTCCGGGGAGGGACGGCACCC[CT>C]GGAAGGGACGGCGAGCCGGTGAGTCCTCACGTCCCCCCGAGTCCGGCCCGGTCTGGAGGG-3'